The following is an entry in ClinVar:

ClinVar aggregate classification (germline): Likely benign. Review status: criteria provided, multiple submitters, no conflicts (2 of 4 stars). 3 submissions from 3 submitters: Likely benign (3). Last evaluated 2026-08-08.

Conditions:
Familial hypobetalipoproteinemia 1. Also called: APOB-Related Familial Hypobetalipoproteinemia; Hypobetalipoproteinemia, normotriglyceridemic; Acanthocytosis with hypobetalipoproteinemia. Identifiers: MedGen C4551990, MONDO:0014252, OMIM 615558.
Hypercholesterolemia, autosomal dominant, type B (FHCL2). Also called: Familial Hypercholesterolemia Type B; APOLIPOPROTEIN B-100, FAMILIAL DEFECTIVE; APOLIPOPROTEIN B-100, FAMILIAL LIGAND-DEFECTIVE; HYPERCHOLESTEROLEMIA, FAMILIAL, DUE TO LIGAND-DEFECTIVE APOLIPOPROTEIN B; Familial hypercholesterolemia 2; APOB-Related Familial Hypercholesterolemia, Autosomal Dominant. Identifiers: MedGen C1704417, MONDO:0007751, OMIM 144010.
Familial hypercholesterolemia. Also called: Familial hypercholesterolemias; Familial hypercholesterolaemia. Identifiers: MedGen C0020445, MONDO:0005439.
Cardiovascular phenotype. Identifiers: MedGen CN230736.

Allele frequency attached by ClinVar (database versions not stated): ExAC 0.00001; gnomAD exomes 0.00001.
gnomAD v4.1: 7 of 1,613,538 alleles (0.00043%); highest among the groups gnomAD compares: Non-Finnish European, 0.00059%; no homozygotes.

Submissions (3):

Ambry Genetics
Classification: Likely benign for Cardiovascular phenotype. Last evaluated: 2026-08-08. Review status: criteria provided, single submitter. Criteria: Ambry Variant Classification Scheme 2023. Collection method: clinical testing. Allele origin: germline.

GENinCode PLC
Classification: Likely benign for Familial hypercholesterolemia. Last evaluated: 2023-12-06. Review status: criteria provided, single submitter. Criteria: ACMG Guidelines, 2015. Collection method: clinical testing. Allele origin: germline.
Comment: This is a synonymous (silent) variant that is not predicted by SpliceAI to impact splicing. In addition, it occurs at a nucleotide that is not conserved. Therefore this variant has been classified as Likely Benign (BP4, BP7).

Labcorp Genetics (formerly Invitae), Labcorp
Classification: Likely benign for Familial hypobetalipoproteinemia 1; Hypercholesterolemia, autosomal dominant, type B. Last evaluated: 2022-07-15. Review status: criteria provided, single submitter. Criteria: Invitae Variant Classification Sherloc (09022015). Collection method: clinical testing. Allele origin: germline.

NM_000384.3(APOB):c.12561G>A (p.Lys4187=)

Gene: APOB (apolipoprotein B; minus strand). Cytogenetic location: 2p24.1.
Variant type: single nucleotide variant.
Coding change: c.12561G>A on transcript NM_000384.3 (MANE Select); coding-DNA position 12561, G replaced by A.
Protein change: p.Lys4187=; no amino-acid change (lysine 4187 retained).
Molecular consequence: synonymous variant.
Genome position (GRCh38, 1-based): chr2:21,002,861, C>T on the plus strand (G>A on the coding strand, the complement: APOB is on the minus strand). VCF-style: chr2-21002861-C-T. GRCh37 (hg19) VCF-style: chr2-21225733-C-T.
Identifiers: ClinVar variation 757138 (VCV000757138.15), dbSNP rs752965923, ClinGen allele CA050565.
Genomic context (GRCh38, chr2:21,002,861, plus strand): 5'-TTTCCCCGGAAACTGGAATCTGGGGAAGTTCAGAAAATCAATGAGTGAGTCAATCAGATG[C>T]TTGACTTTCATATGGAATTCTTGAGTAACTCGTACCAAGCCATCAAACACGTTATCCTTG-3'
Protein context (NP_000375.3, residues 4177-4197): RVTQEFHMKV[Lys4187=]HLIDSLIDFL